The following is an entry in ClinVar:

NM_001845.6(COL4A1):c.2825A>G (p.Asp942Gly)

Gene: COL4A1 (collagen type IV alpha 1 chain; minus strand). Cytogenetic location: 13q34.
Variant type: single nucleotide variant.
Coding change: c.2825A>G on transcript NM_001845.6 (MANE Select); coding-DNA position 2825, A replaced by G.
Protein change: p.Asp942Gly; replaces aspartic acid 942 with glycine.
Molecular consequence: missense variant.
Genome position (GRCh38, 1-based): chr13:110,176,929, T>C on the plus strand (A>G on the coding strand, the complement: COL4A1 is on the minus strand). VCF-style: chr13-110176929-T-C. GRCh37 (hg19) VCF-style: chr13-110829276-T-C.
Other names: short protein forms D942G.
Identifiers: ClinVar variation 5008336 (VCV005008336.1).

ClinVar aggregate classification (germline): Uncertain significance (1 of 4 stars; one submission).

Submission:

GeneDx
Classification: Uncertain significance. Last evaluated: 2026-03-02. Review status: criteria provided, single submitter. Criteria: GeneDx Variant Classification Process June 2021. Collection method: clinical testing. Allele origin: germline.
Comment: Not observed at significant frequency in large population cohorts (gnomAD); In silico analysis supports a deleterious effect on splicing; In silico analysis suggests that this missense variant does not alter protein structure/function; Has not been previously published as pathogenic or benign to our knowledge; Occurs in the triple helical domain within an interruption of the canonical Gly-X-Y repeat